The following is an entry in ClinVar:

NM_001005373.4(LRSAM1):c.388C>T (p.Gln130Ter)

Gene: LRSAM1 (leucine rich repeat and sterile alpha motif containing 1; plus strand). Cytogenetic location: 9q33.3.
Variant type: single nucleotide variant.
Coding change: c.388C>T on transcript NM_001005373.4 (MANE Select); coding-DNA position 388, C replaced by T.
Protein change: p.Gln130Ter; replaces glutamine 130 with a stop codon.
Molecular consequence: nonsense. On other transcripts: 5 prime UTR variant (1), non-coding transcript variant (2).
Genome position (GRCh38, 1-based): chr9:127,461,239, C>T. VCF-style: chr9-127461239-C-T. GRCh37 (hg19) VCF-style: chr9-130223518-C-T.
Other names: c.388C>T, p.Gln130Ter (NM_001005374.4, NM_001190723.3, NM_001384142.1 and 2 more transcripts); c.-397C>T (NM_001384144.1); short protein forms Q130*.
Identifiers: ClinVar variation 540000 (VCV000540000.6), dbSNP rs1554754342, ClinGen allele CA374968146.

ClinVar aggregate classification (germline): Pathogenic (1 of 4 stars; one submission).

Conditions:
Charcot-Marie-Tooth disease axonal type 2P. Also called: CHARCOT-MARIE-TOOTH NEUROPATHY, TYPE 2P; CHARCOT-MARIE-TOOTH DISEASE, AXONAL, TYPE 2G; CMT 2G; Charcot-Marie-Tooth Neuropathy Type 2G. Identifiers: Orphanet 300319, Orphanet 99941, MedGen C3280797, MONDO:0013753, OMIM 614436.

Allele frequency attached by ClinVar (database versions not stated): gnomAD exomes below 0.00001; TOPMed below 0.00001.

Submission:

Labcorp Genetics (formerly Invitae), Labcorp
Classification: Pathogenic for Charcot-Marie-Tooth disease axonal type 2P. Last evaluated: 2022-08-09. Review status: criteria provided, single submitter. Criteria: Invitae Variant Classification Sherloc (09022015). Collection method: clinical testing. Allele origin: germline.
Comment: For these reasons, this variant has been classified as Pathogenic. ClinVar contains an entry for this variant (Variation ID: 540000). This variant has not been reported in the literature in individuals affected with LRSAM1-related conditions. This variant is not present in population databases (gnomAD no frequency). This sequence change creates a premature translational stop signal (p.Gln130*) in the LRSAM1 gene. It is expected to result in an absent or disrupted protein product. Loss-of-function variants in LRSAM1 are known to be pathogenic (PMID: 20865121, 33414056).

Literature cited by the submitters: PubMed 20865121; PubMed 33414056.